The following is an entry in ClinVar:

NM_000368.5(TSC1):c.384_401del (p.Leu129_Leu134del)

Gene: TSC1 (TSC complex subunit 1; minus strand). Cytogenetic location: 9q34.13.
Variant type: Deletion.
Coding change: c.384_401del on transcript NM_000368.5 (MANE Select); coding-DNA positions 384 to 401, 18 bases deleted (CCTCACAACAGGCGTCTT).
Protein change: p.Leu129_Leu134del.
Molecular consequence: inframe deletion.
Genome position (GRCh38, 1-based): chr9:132,923,455-132,923,472, AAGACGCCTGTTGTGAGG deleted on the plus strand (CCTCACAACAGGCGTCTT on the coding strand, the reverse complement: TSC1 is on the minus strand); deleting any 18 consecutive bases within chr9:132,923,455-132,923,473 gives the same sequence; the c. name uses the placement nearest the transcript's 3' end. VCF-style (leftmost placement, unchanged base first): chr9-132923454-CAAGACGCCTGTTGTGAGG-C. GRCh37 (hg19) VCF-style: chr9-135798841-CAAGACGCCTGTTGTGAGG-C.
Other names: c.384_401del, p.Leu129_Leu134del (NM_001162426.2); c.231_248del, p.Leu78_Leu83del (NM_001162427.2); c.21_38del, p.Leu8_Leu13del (NM_001362177.2).
Identifiers: ClinVar variation 664175 (VCV000664175.8), dbSNP rs1588350733, ClinGen allele CA915947265.
Genomic context (GRCh38, chr9:132,923,454, plus strand): 5'-GAAATCAAGAAGATGCTGTTTCCCAGACTGTGGAATCATTGGTAGCATGGTTATCAACAC[CAAGACGCCTGTTGTGAGG>C]ACAACGACGTCAGTGTCCATCTGCAGGAGAAAAGGTCAAACAGGAAACGTCTGTCAGGCA-3'

ClinVar aggregate classification (germline): Uncertain significance (1 of 4 stars; one submission).

Conditions:
Tuberous sclerosis 1 (TSC1). Identifiers: Orphanet 805, MedGen C1854465, MONDO:0008612, OMIM 191100.

Submission:

Labcorp Genetics (formerly Invitae), Labcorp
Classification: Uncertain significance for Tuberous sclerosis 1. Last evaluated: 2018-11-05. Review status: criteria provided, single submitter. Criteria: Invitae Variant Classification Sherloc (09022015). Collection method: clinical testing. Allele origin: germline.
Comment: In summary, the available evidence is currently insufficient to determine the role of this variant in disease. Therefore, it has been classified as a Variant of Uncertain Significance. Experimental studies and prediction algorithms are not available for this variant, and the functional significance of the affected amino acid(s) is currently unknown. This variant has not been reported in the literature in individuals with TSC1-related disease. This variant is not present in population databases (ExAC no frequency). This variant, c.384_401delCCTCACAACAGGCGTCTT, results in the deletion of 6 amino acids of the TSC1 protein (p.Leu129_Leu134del), but otherwise preserves the integrity of the reading frame.